The following is an entry in ClinVar:

NM_001854.4(COL11A1):c.3472G>T (p.Val1158Phe)

Gene: COL11A1 (collagen type XI alpha 1 chain; minus strand). Cytogenetic location: 1p21.1.
Variant type: single nucleotide variant.
Coding change: c.3472G>T on transcript NM_001854.4 (MANE Select); coding-DNA position 3472, G replaced by T.
Protein change: p.Val1158Phe; replaces valine 1158 with phenylalanine.
Molecular consequence: missense variant. On other transcripts: non-coding transcript variant (1).
Genome position (GRCh38, 1-based): chr1:102,935,080, C>A on the plus strand (G>T on the coding strand, the complement: COL11A1 is on the minus strand). VCF-style: chr1-102935080-C-A. GRCh37 (hg19) VCF-style: chr1-103400636-C-A.
Other names: c.3355G>T, p.Val1119Phe (NM_001190709.2); c.3508G>T, p.Val1170Phe (NM_080629.3); c.3124G>T, p.Val1042Phe (NM_080630.4); short protein forms V1042F, V1119F, V1158F, V1170F.
Identifiers: ClinVar variation 1064982 (VCV001064982.4), dbSNP rs2101222310, ClinGen allele CA341168209.

ClinVar aggregate classification (germline): Uncertain significance. Review status: criteria provided, multiple submitters, no conflicts (2 of 4 stars). 2 submissions from 2 submitters: Uncertain significance (2). Last evaluated 2022-11-12.

Conditions:
Hearing impairment. Also called: Impaired Hearing. Identifiers: MedGen C1384666, MONDO:0005365, HP:0000365.

Submissions (2):

Blueprint Genetics
Classification: Uncertain significance. Last evaluated: 2022-11-12. Review status: criteria provided, single submitter. Criteria: ACMG Guidelines, 2015. Collection method: clinical testing. Allele origin: germline.

Department of Otolaryngology – Head & Neck Surgery, Cochlear Implant Center
Classification: Uncertain significance for Hearing impairment. Last evaluated: 2021-04-12. Review status: criteria provided, single submitter. Criteria: ClinGen HL ACMG Specifications v1. Collection method: clinical testing. Allele origin: germline. Affected: yes.
Comment: PM2_Supporting, PP3_Moderate